The following is an entry in ClinVar:

NM_000088.4(COL1A1):c.2175C>T (p.Gly725=)

Gene: COL1A1 (collagen type I alpha 1 chain; minus strand). Cytogenetic location: 17q21.33.
Variant type: single nucleotide variant.
Coding change: c.2175C>T on transcript NM_000088.4 (MANE Select); coding-DNA position 2175, C replaced by T.
Protein change: p.Gly725=; no amino-acid change (glycine 725 retained).
Molecular consequence: synonymous variant.
Genome position (GRCh38, 1-based): chr17:50,191,443, G>A on the plus strand (C>T on the coding strand, the complement: COL1A1 is on the minus strand). VCF-style: chr17-50191443-G-A. GRCh37 (hg19) VCF-style: chr17-48268804-G-A.
Other names: p.Gly725=.
Identifiers: ClinVar variation 456746 (VCV000456746.29), dbSNP rs35017779, ClinGen allele CA8644911.

ClinVar aggregate classification (germline): Benign. Review status: criteria provided, multiple submitters, no conflicts (2 of 4 stars). 9 submissions from 9 submitters: Benign (9). Last evaluated 2026-03-27.

Conditions:
Cardiovascular phenotype. Identifiers: MedGen CN230736.
Osteogenesis imperfecta (OI). Identifiers: Orphanet 666, MedGen C0029434, MeSH D010013, MONDO:0019019.
Osteogenesis imperfecta type I (OI1). Also called: Classic Non-deforming Osteogenesis Imperfecta with Blue Sclerae; OI, TYPE I; OSTEOGENESIS IMPERFECTA TARDA; OSTEOGENESIS IMPERFECTA WITH BLUE SCLERAE; Osteogenesis imperfecta type 1; Lobstein's Disease. Identifiers: Orphanet 216796, Orphanet 666, MedGen C0023931, MONDO:0008146, OMIM 166200. Disease mechanism: loss of function.

Allele frequency attached by ClinVar (database versions not stated): gnomAD 0.01044 and 0.01114; gnomAD exomes 0.00277 and 0.00097; ExAC 0.00346; ESP Exome Variant Server 0.01215; 1000 Genomes Project 30x 0.01296; 1000 Genomes Project 0.01178; TOPMed 0.01247.
gnomAD v4.1: 3,130 of 1,614,030 alleles (0.19%); highest among the groups gnomAD compares: African/African-American, 3.5%; 67 homozygotes.

Submissions (9):

Molecular Diagnostic Laboratory for Inherited Cardiovascular Disease, Montreal Heart Institute
Classification: Benign. Last evaluated: 2026-03-27. Review status: criteria provided, single submitter. Criteria: ACMG Guidelines, 2015. Collection method: clinical testing. Allele origin: germline. Affected: no.
Comment: BA1;BP7

Labcorp Genetics (formerly Invitae), Labcorp
Classification: Benign for Osteogenesis imperfecta type I. Last evaluated: 2026-02-02. Review status: criteria provided, single submitter. Criteria: Invitae Variant Classification Sherloc (09022015). Collection method: clinical testing. Allele origin: germline.

ARUP Laboratories, Molecular Genetics and Genomics, ARUP Laboratories
Classification: Benign. Last evaluated: 2025-06-25. Review status: criteria provided, single submitter. Criteria: ARUP Molecular Germline Variant Investigation Process 2024. Collection method: clinical testing. Allele origin: germline.

Mayo Clinic Laboratories, Mayo Clinic
Classification: Benign. Last evaluated: 2022-07-12. Review status: criteria provided, single submitter. Criteria: ACMG Guidelines, 2015. Collection method: clinical testing. Allele origin: germline. Observed: 20 variant alleles.
Comment: BA1

Genome Diagnostics Laboratory, The Hospital for Sick Children
Classification: Benign for Osteogenesis imperfecta. Last evaluated: 2021-01-08. Review status: criteria provided, single submitter. Criteria: ACMG Guidelines, 2015. Collection method: clinical testing. Allele origin: germline.

Ambry Genetics
Classification: Benign for Cardiovascular phenotype. Last evaluated: 2019-06-12. Review status: criteria provided, single submitter. Criteria: Ambry Variant Classification Scheme 2023. Collection method: clinical testing. Allele origin: germline.

Athena Diagnostics
Classification: Benign. Last evaluated: 2017-09-26. Review status: criteria provided, single submitter. Criteria: Athena Diagnostics Criteria. Collection method: clinical testing. Allele origin: germline.

GeneDx
Classification: Benign. Last evaluated: 2017-03-28. Review status: criteria provided, single submitter. Criteria: GeneDx Variant Classification (06012015). Collection method: clinical testing. Allele origin: germline. Affected: yes.
Comment: This variant is considered likely benign or benign based on one or more of the following criteria: it is a conservative change, it occurs at a poorly conserved position in the protein, it is predicted to be benign by multiple in silico algorithms, and/or has population frequency not consistent with disease.

Breakthrough Genomics
Classification: Benign. Review status: criteria provided, single submitter. Criteria: ACMG Guidelines, 2015. Collection method: not provided. Allele origin: germline. Inheritance: Autosomal dominant inheritance. Affected: yes.

Literature cited by the submitters: PubMed 18272325 (cited by Athena Diagnostics).